The following is an entry in ClinVar:

ClinVar aggregate classification (germline): Uncertain significance (1 of 4 stars; one submission).

Submission:

GeneDx
Classification: Uncertain significance. Last evaluated: 2025-03-25. Review status: criteria provided, single submitter. Criteria: GeneDx Variant Classification Process June 2021. Collection method: clinical testing. Allele origin: germline.
Comment: Not observed at significant frequency in large population cohorts (gnomAD); Nonsense variant predicted to result in protein truncation or nonsense mediated decay in a gene or region of a gene for which loss of function is not a well-established mechanism of disease; Has not been previously published as pathogenic or benign to our knowledge; Variants in candidate genes are classified as variants of uncertain significance in accordance with ACMG guidelines (PMID: 25741868)

NM_014921.5(ADGRL1):c.1592G>A (p.Trp531Ter)

Genes: ADGRL1 (adhesion G protein-coupled receptor L1; minus strand), ADGRL1-AS1 (ADGRL1 antisense RNA 1; plus strand). Cytogenetic location: 19p13.12.
Variant type: single nucleotide variant.
Coding change: c.1592G>A on transcript NM_014921.5 (MANE Select); coding-DNA position 1592, G replaced by A.
Protein change: p.Trp531Ter; replaces tryptophan 531 with a stop codon.
Molecular consequence: nonsense.
Genome position (GRCh38, 1-based): chr19:14,160,615, C>T on the plus strand (G>A on the coding strand, the complement: ADGRL1 is on the minus strand). VCF-style: chr19-14160615-C-T. GRCh37 (hg19) VCF-style: chr19-14271427-C-T.
Other names: c.1607G>A, p.Trp536Ter (NM_001008701.3); short protein forms W531*, W536*.
Identifiers: ClinVar variation 4975125 (VCV004975125.1).